The following is an entry in ClinVar:

ClinVar aggregate classification (germline): Pathogenic. Review status: criteria provided, multiple submitters, no conflicts (2 of 4 stars). 2 submissions from 2 submitters: Pathogenic (2). Last evaluated 2022-11-29.

Conditions:
Neurodevelopmental disorder with regression, abnormal movements, loss of speech, and seizures. Identifiers: Orphanet 597623, MedGen C4748127, MONDO:0060759, OMIM 618088.

Submissions (2):

GeneDx
Classification: Pathogenic. Last evaluated: 2022-11-29. Review status: criteria provided, single submitter. Criteria: GeneDx Variant Classification Process June 2021. Collection method: clinical testing. Allele origin: germline. Affected: yes.
Comment: Nonsense variant in the C-terminus predicted to result in protein truncation, as the last 232 amino acids are lost, and other loss-of-function variants have been reported downstream in the Human Gene Mutation Database (HGMD); Not observed at significant frequency in large population cohorts (gnomAD); Has not been previously published as pathogenic or benign to our knowledge; This variant is associated with the following publications: (PMID: 24077912, 27535533)

Department of Clinical Genetics, Copenhagen University Hospital, Rigshospitalet
Classification: Pathogenic for Neurodevelopmental disorder with regression, abnormal movements, loss of speech, and seizures. Last evaluated: 2021-08-01. Review status: criteria provided, single submitter. Criteria: ACMG Guidelines, 2015. Collection method: clinical testing. Allele origin: de novo. Affected: yes.

NM_024496.4(IRF2BPL):c.1693C>T (p.Gln565Ter)

Gene: IRF2BPL (interferon regulatory factor 2 binding protein like; minus strand). Cytogenetic location: 14q24.3.
Variant type: single nucleotide variant.
Coding change: c.1693C>T on transcript NM_024496.4 (MANE Select); coding-DNA position 1693, C replaced by T.
Protein change: p.Gln565Ter; replaces glutamine 565 with a stop codon.
Molecular consequence: nonsense.
Genome position (GRCh38, 1-based): chr14:77,026,100, G>A on the plus strand (C>T on the coding strand, the complement: IRF2BPL is on the minus strand). VCF-style: chr14-77026100-G-A. GRCh37 (hg19) VCF-style: chr14-77492443-G-A.
Other names: short protein forms Q565*.
Identifiers: ClinVar variation 1679285 (VCV001679285.4), dbSNP rs1466417547, ClinGen allele CA390492458.
Genomic context (GRCh38, chr14:77,026,100, plus strand): 5'-CCCCGGCGGACATGGTGAGCTTCAGCGCCTCGCTCTGGTTCGCCATCCACTGCTGCCTCT[G>A]CTGTTCCTCGCCCAGCTTCAGCGCGCCCTCGGCTGAGTCCGGGGGCTCCGGAGAGGCCTT-3'